The following is an entry in ClinVar:

ClinVar aggregate classification (germline): Uncertain significance. Review status: criteria provided, multiple submitters, no conflicts (2 of 4 stars). 2 submissions from 2 submitters: Uncertain significance (2). Last evaluated 2025-02-07.

Conditions:
Primary ciliary dyskinesia. Also called: Ciliary dyskinesia. Identifiers: Orphanet 244, MedGen C0008780, MONDO:0016575, HP:0012265.

gnomAD v4.1: 9 of 1,613,280 alleles (0.00056%); highest among the groups gnomAD compares: Non-Finnish European, 0.00076%; no homozygotes.

Submissions (2):

Ambry Genetics
Classification: Uncertain significance for Primary ciliary dyskinesia. Last evaluated: 2025-02-07. Review status: criteria provided, single submitter. Criteria: Ambry Variant Classification Scheme 2023. Collection method: clinical testing. Allele origin: germline.

Labcorp Genetics (formerly Invitae), Labcorp
Classification: Uncertain significance for Primary ciliary dyskinesia. Last evaluated: 2024-02-24. Review status: criteria provided, single submitter. Criteria: Invitae Variant Classification Sherloc (09022015). Collection method: clinical testing. Allele origin: germline.
Comment: This sequence change replaces threonine, which is neutral and polar, with alanine, which is neutral and non-polar, at codon 415 of the DNAAF1 protein (p.Thr415Ala). This variant is present in population databases (rs764480347, gnomAD 0.002%). This variant has not been reported in the literature in individuals affected with DNAAF1-related conditions. Algorithms developed to predict the effect of missense changes on protein structure and function output the following: SIFT: "Not Available"; PolyPhen-2: "Benign"; Align-GVGD: "Not Available". The alanine amino acid residue is found in multiple mammalian species, which suggests that this missense change does not adversely affect protein function. In summary, the available evidence is currently insufficient to determine the role of this variant in disease. Therefore, it has been classified as a Variant of Uncertain Significance.

NM_178452.6(DNAAF1):c.1243A>G (p.Thr415Ala)

Gene: DNAAF1 (dynein axonemal assembly factor 1; plus strand). Cytogenetic location: 16q24.1.
Variant type: single nucleotide variant.
Coding change: c.1243A>G on transcript NM_178452.6 (MANE Select); coding-DNA position 1243, A replaced by G.
Protein change: p.Thr415Ala; replaces threonine 415 with alanine.
Molecular consequence: missense variant.
Genome position (GRCh38, 1-based): chr16:84,170,071, A>G. VCF-style: chr16-84170071-A-G. GRCh37 (hg19) VCF-style: chr16-84203677-A-G.
Other names: c.1243A>G (NM_178452.4); c.535A>G, p.Thr179Ala (NM_001318756.1); short protein forms T179A, T415A.
Identifiers: ClinVar variation 3619904 (VCV003619904.3).